The following is an entry in ClinVar:

NM_177531.6(PKHD1L1):c.1705C>A (p.Gln569Lys)

Gene: PKHD1L1 (PKHD1 like 1; plus strand). Cytogenetic location: 8q23.1.
Variant type: single nucleotide variant.
Coding change: c.1705C>A on transcript NM_177531.6 (MANE Select); coding-DNA position 1705, C replaced by A.
Protein change: p.Gln569Lys; replaces glutamine 569 with lysine.
Molecular consequence: missense variant.
Genome position (GRCh38, 1-based): chr8:109,406,370, C>A. VCF-style: chr8-109406370-C-A. GRCh37 (hg19) VCF-style: chr8-110418599-C-A.
Other names: short protein forms Q569K.
Identifiers: ClinVar variation 4988572 (VCV004988572.1).

ClinVar aggregate classification (germline): Uncertain significance (1 of 4 stars; one submission).

Conditions:
PKHD1L1-related disorder. Also called: PKHD1L1-related condition.

gnomAD v4.1: 25 of 1,557,662 alleles (0.0016%); highest among the groups gnomAD compares: South Asian, 0.027%; 1 homozygote.

Submission:

PreventionGenetics, part of Exact Sciences
Classification: Uncertain significance for PKHD1L1-related condition. Last evaluated: 2025-04-10. Review status: criteria provided, single submitter. Criteria: ACMG Guidelines, 2015. Collection method: clinical testing. Allele origin: germline.
Comment: The PKHD1L1 c.1705C>A variant is predicted to result in the amino acid substitution p.Gln569Lys. To our knowledge, this variant has not been reported in the literature. This variant is reported in 0.034% of alleles in individuals of South Asian descent in gnomAD. At this time, the clinical significance of this variant is uncertain due to the absence of conclusive functional and genetic evidence.